The following is an entry in ClinVar:

ClinVar aggregate classification (germline): Likely benign. Review status: criteria provided, single submitter (1 of 4 stars). 2 submissions from 2 submitters: Likely benign (1). 1 of the submissions does not count toward it. Last evaluated 2024-01-16.

Conditions:
Joubert syndrome. Also called: CEREBELLOPARENCHYMAL DISORDER IV; JOUBERT-BOLTSHAUSER SYNDROME; Familial aplasia of the vermis. Identifiers: Orphanet 475, MedGen C5979921, MONDO:0018772.
Meckel-Gruber syndrome. Also called: Dysencephalia splachnocystica; DYSENCEPHALIA SPLANCHNOCYSTICA; GRUBER SYNDROME. Identifiers: Orphanet 564, MedGen C0265215, MONDO:0018921.
Nephronophthisis. Also called: Juvenile Nephronophthisis. Identifiers: Orphanet 655, MedGen C0687120, MONDO:0019005, HP:0000090.
CEP290-related disorder. Also called: CEP290-related condition; CEP290-related disorders. Identifiers: MedGen CN239314.

Allele frequency attached by ClinVar (database versions not stated): gnomAD exomes below 0.00001; gnomAD 0.00001; TOPMed 0.00001.
gnomAD v4.1: 6 of 1,601,468 alleles (0.00037%); highest among the groups gnomAD compares: Non-Finnish European, 0.00051%; no homozygotes.

Submissions (2):

Labcorp Genetics (formerly Invitae), Labcorp
Classification: Likely benign for Joubert syndrome; Meckel-Gruber syndrome; Nephronophthisis. Last evaluated: 2024-01-16. Review status: criteria provided, single submitter. Criteria: Invitae Variant Classification Sherloc (09022015). Collection method: clinical testing. Allele origin: germline.

PreventionGenetics, part of Exact Sciences
Classification: Likely benign for CEP290-related condition. Last evaluated: 2024-05-17. Review status: no assertion criteria provided. Collection method: clinical testing. Allele origin: germline. Not counted in ClinVar's aggregate classification.
Comment: This variant is classified as likely benign based on ACMG/AMP sequence variant interpretation guidelines (Richards et al. 2015 PMID: 25741868, with internal and published modifications).

NM_025114.4(CEP290):c.5640A>G (p.Lys1880=)

Gene: CEP290 (centrosomal protein 290; minus strand). Cytogenetic location: 12q21.32.
Variant type: single nucleotide variant.
Coding change: c.5640A>G on transcript NM_025114.4 (MANE Select); coding-DNA position 5640, A replaced by G.
Protein change: p.Lys1880=; no amino-acid change (lysine 1880 retained).
Molecular consequence: synonymous variant.
Genome position (GRCh38, 1-based): chr12:88,077,291, T>C on the plus strand (A>G on the coding strand, the complement: CEP290 is on the minus strand). VCF-style: chr12-88077291-T-C. GRCh37 (hg19) VCF-style: chr12-88471068-T-C.
Identifiers: ClinVar variation 796112 (VCV000796112.9), dbSNP rs1225010541, ClinGen allele CA481072205.
Genomic context (GRCh38, chr12:88,077,291, plus strand): 5'-CATAGGTTTTAGGTCTACTTCCTCCACCTTTCCCTCTAATTGGTTCTCTAGTTTTTTAAC[T>C]TTCCTTTGGAGTTCTTCAATTAGACTTTGTTTATTATCTGTCAGGGGTTTGCCCTAAAAA-3'
Protein context (NP_079390.3, residues 1870-1890): KQSLIEELQR[Lys1880=]VKKLENQLEG